The following is an entry in ClinVar:

ClinVar aggregate classification (germline): Uncertain significance (1 of 4 stars; one submission).

Allele frequency attached by ClinVar (database versions not stated): gnomAD exomes below 0.00001.
gnomAD v4.1: 1 of 1,610,246 alleles (0.000062%); highest among the groups gnomAD compares: Non-Finnish European, 0.000085%; no homozygotes.

Submission:

Labcorp Genetics (formerly Invitae), Labcorp
Classification: Uncertain significance. Last evaluated: 2022-10-17. Review status: criteria provided, single submitter. Criteria: Invitae Variant Classification Sherloc (09022015). Collection method: clinical testing. Allele origin: germline.
Comment: This variant has not been reported in the literature in individuals affected with ABCA1-related conditions. In summary, the available evidence is currently insufficient to determine the role of this variant in disease. Therefore, it has been classified as a Variant of Uncertain Significance. Variants that disrupt the consensus splice site are a relatively common cause of aberrant splicing (PMID: 17576681, 9536098). Algorithms developed to predict the effect of sequence changes on RNA splicing suggest that this variant is not likely to affect RNA splicing. This variant is present in population databases (no rsID available, gnomAD 0.0009%). This sequence change falls in intron 48 of the ABCA1 gene. It does not directly change the encoded amino acid sequence of the ABCA1 protein. It affects a nucleotide within the consensus splice site.

Literature cited by the submitters: PubMed 17576681; PubMed 9536098.

NM_005502.4(ABCA1):c.6401+5T>C

Genes: ABCA1 (ATP binding cassette subfamily A member 1; minus strand), NIPSNAP3B (nipsnap homolog 3B; plus strand). Cytogenetic location: 9q31.1.
Variant type: single nucleotide variant.
Coding change: c.6401+5T>C on transcript NM_005502.4 (MANE Select); 5 bases into the intron after coding-DNA position 6401, T replaced by C.
Molecular consequence: intron variant.
Genome position (GRCh38, 1-based): chr9:104,786,293, A>G on the plus strand (T>C on the coding strand, the complement: ABCA1 is on the minus strand). VCF-style: chr9-104786293-A-G. GRCh37 (hg19) VCF-style: chr9-107548574-A-G.
Identifiers: ClinVar variation 1959336 (VCV001959336.5), dbSNP rs1180384072, ClinGen allele CA589842154.